The following is an entry in ClinVar:

NM_018558.4(GABRQ):c.1321C>A (p.Gln441Lys)

Genes: GABRQ (gamma-aminobutyric acid type A receptor subunit theta; plus strand), MAGEA3-DT (MAGEA3 divergent transcript; minus strand). Cytogenetic location: Xq28.
Variant type: single nucleotide variant.
Coding change: c.1321C>A on transcript NM_018558.4 (MANE Select); coding-DNA position 1321, C replaced by A.
Protein change: p.Gln441Lys; replaces glutamine 441 with lysine.
Molecular consequence: missense variant.
Genome position (GRCh38, 1-based): chrX:152,652,703, C>A. VCF-style: chrX-152652703-C-A. GRCh37 (hg19) VCF-style: chrX-151821166-C-A.
Other names: short protein forms Q441K.
Identifiers: ClinVar variation 3043692 (VCV003043692.2), dbSNP rs200635320, ClinGen allele CA10543648.
Genomic context (GRCh38, chrX:152,652,703, plus strand): 5'-TCCGAGCAGGCCCAGCTGGCCACCTCGGAAAGCCTCAGCCCACTCACTTCTCTCTCAGGC[C>A]AGGCCCCCCTGGCCACTGGAGAAAGCCTGAGCGATCTCCCCTCCACCTCAGAGCAGGCCC-3'
Protein context (NP_061028.3, residues 431-451): SLSPLTSLSG[Gln441Lys]APLATGESLS

ClinVar aggregate classification (germline): Likely benign (0 of 4 stars; one submission).

Conditions:
GABRQ-related disorder. Also called: GABRQ-related condition.

Allele frequency attached by ClinVar (database versions not stated): ESP Exome Variant Server 0.00009; TOPMed 0.00017; gnomAD 0.00031; ExAC 0.00047; 1000 Genomes Project 30x 0.00250; 1000 Genomes Project 0.00265.

Submission:

PreventionGenetics, part of Exact Sciences
Classification: Likely benign for GABRQ-related condition. Last evaluated: 2022-03-31. Review status: no assertion criteria provided. Collection method: clinical testing. Allele origin: germline.
Comment: This variant is classified as likely benign based on ACMG/AMP sequence variant interpretation guidelines (Richards et al. 2015 PMID: 25741868, with internal and published modifications).